The following is an entry in ClinVar:

NM_000368.5(TSC1):c.1439C>T (p.Ala480Val)

Gene: TSC1 (TSC complex subunit 1; minus strand). Cytogenetic location: 9q34.13.
Variant type: single nucleotide variant.
Coding change: c.1439C>T on transcript NM_000368.5 (MANE Select); coding-DNA position 1439, C replaced by T.
Protein change: p.Ala480Val; replaces alanine 480 with valine.
Molecular consequence: missense variant. On other transcripts: non-coding transcript variant (5).
Genome position (GRCh38, 1-based): chr9:132,906,139, G>A on the plus strand (C>T on the coding strand, the complement: TSC1 is on the minus strand). VCF-style: chr9-132906139-G-A. GRCh37 (hg19) VCF-style: chr9-135781526-G-A.
Other names: c.1436C>T, p.Ala479Val (NM_001162426.2, NM_001406597.1, NM_001406598.1 and 6 more transcripts); c.1286C>T, p.Ala429Val (NM_001162427.2, NM_001406610.1); c.1076C>T, p.Ala359Val (NM_001362177.2, NM_001406624.1, NM_001406614.1 and 5 more transcripts); c.1439C>T, p.Ala480Val (NM_001406592.1, NM_001406593.1, NM_001406594.1 and 7 more transcripts); c.1073C>T, p.Ala358Val (NM_001406621.1, NM_001406622.1, NM_001406623.1 and 2 more transcripts); c.488C>T, p.Ala163Val (NM_001406626.1); c.485C>T, p.Ala162Val (NM_001406627.1, NM_001406628.1); c.386C>T, p.Ala129Val (NM_001406629.1, NM_001406630.1); and 1 more; short protein forms A129V, A162V, A358V, A359V, A428V, A480V, A163V, A479V.
Identifiers: ClinVar variation 3462477 (VCV003462477.2).

ClinVar aggregate classification (germline): Uncertain significance. Review status: criteria provided, multiple submitters, no conflicts (2 of 4 stars). 2 submissions from 2 submitters: Uncertain significance (2). Last evaluated 2025-04-29.

Conditions:
Tuberous sclerosis 1 (TSC1). Identifiers: Orphanet 805, MedGen C1854465, MONDO:0008612, OMIM 191100.
Hereditary cancer-predisposing syndrome. Also called: Hereditary Cancer Syndrome; Hereditary neoplastic syndrome; Neoplastic Syndromes, Hereditary; Tumor predisposition. Identifiers: Orphanet 140162, MedGen C0027672, MeSH D009386, MONDO:0015356.

gnomAD v4.1: 1 of 1,612,246 alleles (0.000062%); highest among the groups gnomAD compares: Non-Finnish European, 0.000085%; no homozygotes.

Submissions (2):

Labcorp Genetics (formerly Invitae), Labcorp
Classification: Uncertain significance for Tuberous sclerosis 1. Last evaluated: 2025-04-29. Review status: criteria provided, single submitter. Criteria: Invitae Variant Classification Sherloc (09022015). Collection method: clinical testing. Allele origin: germline.
Comment: This sequence change replaces alanine, which is neutral and non-polar, with valine, which is neutral and non-polar, at codon 480 of the TSC1 protein (p.Ala480Val). The frequency data for this variant in the population databases is considered unreliable, as metrics indicate poor data quality at this position in the gnomAD database. This variant has not been reported in the literature in individuals affected with TSC1-related conditions. ClinVar contains an entry for this variant (Variation ID: 3462477). Invitae Evidence Modeling of protein sequence and biophysical properties (such as structural, functional, and spatial information, amino acid conservation, physicochemical variation, residue mobility, and thermodynamic stability) indicates that this missense variant is not expected to disrupt TSC1 protein function with a negative predictive value of 95%. In summary, the available evidence is currently insufficient to determine the role of this variant in disease. Therefore, it has been classified as a Variant of Uncertain Significance.

Ambry Genetics
Classification: Uncertain significance for Hereditary cancer-predisposing syndrome. Last evaluated: 2024-09-30. Review status: criteria provided, single submitter. Criteria: Ambry Variant Classification Scheme 2023. Collection method: clinical testing. Allele origin: germline.
Comment: The p.A480V variant (also known as c.1439C>T) is located in coding exon 13 of the TSC1 gene. The alanine at codon 480 is replaced by valine, an amino acid with similar properties. This change occurs in the first base pair of coding exon 13. This amino acid position is conserved. In addition, the in silico prediction for this alteration is inconclusive. Based on the available evidence, the clinical significance of this variant remains unclear.